The following is an entry in ClinVar:

NM_000718.4(CACNA1B):c.3438C>T (p.Ile1146=)

Gene: CACNA1B (calcium voltage-gated channel subunit alpha1 B; plus strand). Cytogenetic location: 9q34.3.
Variant type: single nucleotide variant.
Coding change: c.3438C>T on transcript NM_000718.4 (MANE Select); coding-DNA position 3438, C replaced by T.
Protein change: p.Ile1146=; no amino-acid change (isoleucine 1146 retained).
Molecular consequence: synonymous variant.
Genome position (GRCh38, 1-based): chr9:138,046,928, C>T. VCF-style: chr9-138046928-C-T. GRCh37 (hg19) VCF-style: chr9-140941380-C-T.
Other names: c.3438C>T, p.Ile1146= (NM_001243812.2).
Identifiers: ClinVar variation 2198728 (VCV002198728.28), dbSNP rs774798380, ClinGen allele CA5376684.

ClinVar aggregate classification (germline): Likely benign. Review status: criteria provided, multiple submitters, no conflicts (2 of 4 stars). 2 submissions from 2 submitters: Likely benign (2). Last evaluated 2026-01-15.

Allele frequency attached by ClinVar (database versions not stated): ExAC 0.00002.
gnomAD v4.1: 22 of 1,613,476 alleles (0.0014%); highest among the groups gnomAD compares: South Asian, 0.016%; no homozygotes.

Submissions (2):

Labcorp Genetics (formerly Invitae), Labcorp
Classification: Likely benign. Last evaluated: 2026-01-15. Review status: criteria provided, single submitter. Criteria: Invitae Variant Classification Sherloc (09022015). Collection method: clinical testing. Allele origin: germline.

CeGaT Center for Human Genetics Tuebingen
Classification: Likely benign. Last evaluated: 2022-08-01. Review status: criteria provided, single submitter. Criteria: CeGaT Center For Human Genetics Tuebingen Variant Classification Criteria Version 2. Collection method: clinical testing. Allele origin: germline. Affected: yes. Observed: 1 variant allele.
Comment: CACNA1B: BP4, BP7